The following is an entry in ClinVar:

NM_000152.5(GAA):c.1418G>C (p.Gly473Ala)

Gene: GAA (alpha glucosidase; plus strand). Cytogenetic location: 17q25.3.
Variant type: single nucleotide variant.
Coding change: c.1418G>C on transcript NM_000152.5 (MANE Select); coding-DNA position 1418, G replaced by C.
Protein change: p.Gly473Ala; replaces glycine 473 with alanine.
Molecular consequence: missense variant.
Genome position (GRCh38, 1-based): chr17:80,110,036, G>C. VCF-style: chr17-80110036-G-C. GRCh37 (hg19) VCF-style: chr17-78083835-G-C.
Other names: c.1418G>C, p.Gly473Ala (NM_001079803.3, NM_001079804.3); short protein forms G473A.
Identifiers: ClinVar variation 288673 (VCV000288673.19), dbSNP rs886043976, ClinGen allele CA10606183.

ClinVar aggregate classification (germline): Uncertain significance. Review status: criteria provided, multiple submitters, no conflicts (2 of 4 stars). 6 submissions from 6 submitters: Uncertain significance (5). 1 of the submissions does not count toward it. Last evaluated 2026-07-01.

Conditions:
Glycogen storage disease, type II (IOPD). Also called: CARDIOMEGALIA GLYCOGENICA DIFFUSA; GLYCOGEN STORAGE DISEASE II, INFANTILE-ONSET; POMPE DISEASE, INFANTILE-ONSET; ACID ALPHA-GLUCOSIDASE DEFICIENCY, INFANTILE-ONSET; GAA DEFICIENCY, INFANTILE-ONSET; ACID MALTASE DEFICIENCY, INFANTILE-ONSET. Identifiers: Orphanet 365, MedGen C0017921, MONDO:0009290, OMIM 232300.

Allele frequency attached by ClinVar (database versions not stated): gnomAD 0.00001.

Submissions (6):

Genomenon, Inc
Classification: Uncertain significance for Glycogen storage disease, type II. Last evaluated: 2026-07-01. Review status: criteria provided, single submitter. Criteria: Genomenon Sequence Variant Interpretation Standards - Updated. Collection method: curation. Allele origin: germline. Affected: yes.
Comment: GAA p.Gly473Ala (c.1418G>C) is a missense variant that changes the amino acid at codon 473 from Glycine to Alanine. This variant has been observed in at least one proband with a GAA-related disorder in the compound heterozygous and/or homozygous state (PMID:33073003). It is absent or not present at a significant frequency in gnomAD. In silico models predict that this variant is possibly or probably damaging. In conclusion, we classify GAA p.Gly473Ala (c.1418G>C) as a variant of uncertain significance.

Fulgent Genetics
Classification: Uncertain significance for Glycogen storage disease, type II. Last evaluated: 2024-02-28. Review status: criteria provided, single submitter. Criteria: ACMG Guidelines, 2015. Collection method: clinical testing. Allele origin: germline.

Genome-Nilou Lab
Classification: Uncertain significance for Glycogen storage disease, type II. Last evaluated: 2021-09-05. Review status: criteria provided, single submitter. Criteria: ACMG Guidelines, 2015. Collection method: clinical testing. Allele origin: germline. Affected: no.

Labcorp Genetics (formerly Invitae), Labcorp
Classification: Uncertain significance for Glycogen storage disease, type II. Last evaluated: 2021-08-24. Review status: criteria provided, single submitter. Criteria: Invitae Variant Classification Sherloc (09022015). Collection method: clinical testing. Allele origin: germline.
Comment: This sequence change replaces glycine with alanine at codon 473 of the GAA protein (p.Gly473Ala). The glycine residue is highly conserved and there is a small physicochemical difference between glycine and alanine. This variant is not present in population databases (ExAC no frequency). This variant has not been reported in the literature in individuals affected with GAA-related conditions. ClinVar contains an entry for this variant (Variation ID: 288673). Algorithms developed to predict the effect of missense changes on protein structure and function (SIFT, PolyPhen-2, Align-GVGD) all suggest that this variant is likely to be disruptive. In summary, the available evidence is currently insufficient to determine the role of this variant in disease. Therefore, it has been classified as a Variant of Uncertain Significance.

Eurofins Ntd Llc (ga)
Classification: Uncertain significance. Last evaluated: 2016-06-14. Review status: criteria provided, single submitter. Criteria: EGL Classification Definitions 2015. Collection method: clinical testing. Allele origin: germline. Observed: 1 variant allele, 1 heterozygote.

Natera, Inc.
Classification: Uncertain significance for Glycogen storage disease type II. Last evaluated: 2019-10-28. Review status: no assertion criteria provided. Collection method: clinical testing. Allele origin: germline. Not counted in ClinVar's aggregate classification.

Literature cited by the submitters: PubMed 33073003 (cited by Genomenon, Inc).